The following is an entry in ClinVar:

ClinVar aggregate classification (germline): Benign/Likely benign. Review status: criteria provided, multiple submitters, no conflicts (2 of 4 stars). 4 submissions from 4 submitters: Benign (1); Likely benign (3). Last evaluated 2026-06-01.

Conditions:
Severe combined immunodeficiency due to DNA-PKcs deficiency. Also called: IMMUNODEFICIENCY 26 WITH NEUROLOGIC ABNORMALITIES; Immunodeficiency 26 with or without neurologic abnormalities. Identifiers: Orphanet 317425, MedGen C4014833, MONDO:0014423, OMIM 615966.

Allele frequency attached by ClinVar (database versions not stated): 1000 Genomes Project 30x 0.00125; 1000 Genomes Project 0.00140; TOPMed 0.00526; ExAC 0.00580; gnomAD exomes 0.00645; gnomAD 0.00650 and 0.00669; ESP Exome Variant Server 0.00813.
gnomAD v4.1: 13,345 of 1,606,574 alleles (0.83%); highest among the groups gnomAD compares: Non-Finnish European, 0.96%; 70 homozygotes.

Submissions (4):

CeGaT Center for Human Genetics Tuebingen
Classification: Likely benign. Last evaluated: 2026-06-01. Review status: criteria provided, single submitter. Criteria: CeGaT Center For Human Genetics Tuebingen Variant Classification Criteria Version 2. Collection method: clinical testing. Allele origin: germline. Affected: yes. Observed: 6 variant alleles.
Comment: PRKDC: BP4, BS2

Labcorp Genetics (formerly Invitae), Labcorp
Classification: Benign for Severe combined immunodeficiency due to DNA-PKcs deficiency. Last evaluated: 2026-02-02. Review status: criteria provided, single submitter. Criteria: Invitae Variant Classification Sherloc (09022015). Collection method: clinical testing. Allele origin: germline.

GeneDx
Classification: Likely benign. Last evaluated: 2016-10-21. Review status: criteria provided, single submitter. Criteria: GeneDx Variant Classification (06012015). Collection method: clinical testing. Allele origin: germline. Affected: yes.
Comment: This variant is considered likely benign or benign based on one or more of the following criteria: it is a conservative change, it occurs at a poorly conserved position in the protein, it is predicted to be benign by multiple in silico algorithms, and/or has population frequency not consistent with disease.

Breakthrough Genomics
Classification: Likely benign. Review status: criteria provided, single submitter. Criteria: ACMG Guidelines, 2015. Collection method: not provided. Allele origin: germline. Inheritance: Autosomal recessive inheritance. Affected: yes.

NM_006904.7(PRKDC):c.9145C>T (p.Leu3049=)

Gene: PRKDC (protein kinase, DNA-activated, catalytic subunit; minus strand). Cytogenetic location: 8q11.21.
Variant type: single nucleotide variant.
Coding change: c.9145C>T on transcript NM_006904.7 (MANE Select); coding-DNA position 9145, C replaced by T.
Protein change: p.Leu3049=; no amino-acid change (leucine 3049 retained).
Molecular consequence: synonymous variant.
Genome position (GRCh38, 1-based): chr8:47,820,910, G>A on the plus strand (C>T on the coding strand, the complement: PRKDC is on the minus strand). VCF-style: chr8-47820910-G-A. GRCh37 (hg19) VCF-style: chr8-48733471-G-A.
Other names: c.9145C>T, p.Leu3049= (NM_001081640.2).
Identifiers: ClinVar variation 380484 (VCV000380484.35), dbSNP rs56053523, ClinGen allele CA4739656.